The following is an entry in ClinVar:

NM_000062.3(SERPING1):c.166G>A (p.Val56Ile)

Gene: SERPING1 (serpin family G member 1; plus strand). Cytogenetic location: 11q12.1.
Variant type: single nucleotide variant.
Coding change: c.166G>A on transcript NM_000062.3 (MANE Select); coding-DNA position 166, G replaced by A.
Protein change: p.Val56Ile; replaces valine 56 with isoleucine.
Molecular consequence: missense variant.
Genome position (GRCh38, 1-based): chr11:57,599,993, G>A. VCF-style: chr11-57599993-G-A. GRCh37 (hg19) VCF-style: chr11-57367466-G-A.
Other names: c.166G>A, p.Val56Ile (NM_001032295.2); short protein forms V56I.
Identifiers: ClinVar variation 2714694 (VCV002714694.3), dbSNP rs1010623673, ClinGen allele CA223054006.

ClinVar aggregate classification (germline): Uncertain significance (1 of 4 stars; one submission).

Allele frequency attached by ClinVar (database versions not stated): TOPMed below 0.00001; gnomAD 0.00001; gnomAD exomes 0.00001.
gnomAD v4.1: 6 of 1,613,990 alleles (0.00037%); highest among the groups gnomAD compares: East Asian, 0.0022%; no homozygotes.

Submission:

Labcorp Genetics (formerly Invitae), Labcorp
Classification: Uncertain significance. Last evaluated: 2025-10-09. Review status: criteria provided, single submitter. Criteria: Invitae Variant Classification Sherloc (09022015). Collection method: clinical testing. Allele origin: germline.
Comment: This sequence change replaces valine, which is neutral and non-polar, with isoleucine, which is neutral and non-polar, at codon 56 of the SERPING1 protein (p.Val56Ile). This variant is present in population databases (no rsID available, gnomAD 0.0009%). This variant has not been reported in the literature in individuals affected with SERPING1-related conditions. ClinVar contains an entry for this variant (Variation ID: 2714694). Invitae Evidence Modeling of protein sequence and biophysical properties (such as structural, functional, and spatial information, amino acid conservation, physicochemical variation, residue mobility, and thermodynamic stability) indicates that this missense variant is not expected to disrupt SERPING1 protein function with a negative predictive value of 95%. In summary, the available evidence is currently insufficient to determine the role of this variant in disease. Therefore, it has been classified as a Variant of Uncertain Significance.